The following is an entry in ClinVar:

NM_001197104.2(KMT2A):c.10076C>T (p.Ala3359Val)

Gene: KMT2A (lysine methyltransferase 2A; plus strand). Cytogenetic location: 11q23.3.
Variant type: single nucleotide variant.
Coding change: c.10076C>T on transcript NM_001197104.2 (MANE Select); coding-DNA position 10076, C replaced by T.
Protein change: p.Ala3359Val; replaces alanine 3359 with valine.
Molecular consequence: missense variant.
Genome position (GRCh38, 1-based): chr11:118,505,968, C>T. VCF-style: chr11-118505968-C-T. GRCh37 (hg19) VCF-style: chr11-118376683-C-T.
Other names: c.10166C>T, p.Ala3389Val (NM_001412597.1); c.10067C>T, p.Ala3356Val (NM_005933.4); short protein forms A3356V, A3389V, A3359V.
Identifiers: ClinVar variation 1910089 (VCV001910089.6), dbSNP rs149340870, ClinGen allele CA6304678.

ClinVar aggregate classification (germline): Conflicting classifications of pathogenicity. Review status: criteria provided, conflicting classifications (1 of 4 stars). 2 submissions from 2 submitters: Uncertain significance (1); Likely benign (1). Last evaluated 2025-08-11.

Allele frequency attached by ClinVar (database versions not stated): ExAC 0.00004; gnomAD 0.00004; TOPMed 0.00005; 1000 Genomes Project 30x 0.00016; 1000 Genomes Project 0.00020.
gnomAD v4.1: 71 of 1,614,160 alleles (0.0044%); highest among the groups gnomAD compares: Middle Eastern, 0.016%; no homozygotes.

Submissions (2):

Labcorp Genetics (formerly Invitae), Labcorp
Classification: Uncertain significance. Last evaluated: 2025-08-11. Review status: criteria provided, single submitter. Criteria: Invitae Variant Classification Sherloc (09022015). Collection method: clinical testing. Allele origin: germline.
Comment: This sequence change replaces alanine, which is neutral and non-polar, with valine, which is neutral and non-polar, at codon 3359 of the KMT2A protein (p.Ala3359Val). This variant is present in population databases (rs149340870, gnomAD 0.01%). This variant has not been reported in the literature in individuals affected with KMT2A-related conditions. ClinVar contains an entry for this variant (Variation ID: 1910089). Invitae Evidence Modeling of protein sequence and biophysical properties (such as structural, functional, and spatial information, amino acid conservation, physicochemical variation, residue mobility, and thermodynamic stability) indicates that this missense variant is not expected to disrupt KMT2A protein function with a negative predictive value of 95%. In summary, the available evidence is currently insufficient to determine the role of this variant in disease. Therefore, it has been classified as a Variant of Uncertain Significance.

Blueprint Genetics
Classification: Likely benign. Last evaluated: 2023-04-26. Review status: criteria provided, single submitter. Criteria: ACMG Guidelines, 2015. Collection method: clinical testing. Allele origin: germline.